The following is an entry in ClinVar:

ClinVar aggregate classification (germline): Uncertain significance (1 of 4 stars; one submission).

Conditions:
Bardet-Biedl syndrome (BBS). Identifiers: Orphanet 110, MedGen C0752166, MONDO:0015229.

Submission:

Labcorp Genetics (formerly Invitae), Labcorp
Classification: Uncertain significance for Bardet-Biedl syndrome. Last evaluated: 2022-03-24. Review status: criteria provided, single submitter. Criteria: Invitae Variant Classification Sherloc (09022015). Collection method: clinical testing. Allele origin: germline.
Comment: This sequence change replaces leucine, which is neutral and non-polar, with methionine, which is neutral and non-polar, at codon 75 of the BBS1 protein (p.Leu75Met). This variant is not present in population databases (gnomAD no frequency). This variant has not been reported in the literature in individuals affected with BBS1-related conditions. Algorithms developed to predict the effect of missense changes on protein structure and function output the following: SIFT: "Tolerated"; PolyPhen-2: "Benign"; Align-GVGD: "Class C0". The methionine amino acid residue is found in multiple mammalian species, which suggests that this missense change does not adversely affect protein function. In summary, the available evidence is currently insufficient to determine the role of this variant in disease. Therefore, it has been classified as a Variant of Uncertain Significance.

NM_024649.5(BBS1):c.223C>A (p.Leu75Met)

Gene: BBS1 (Bardet-Biedl syndrome 1; plus strand). Cytogenetic location: 11q13.2.
Variant type: single nucleotide variant.
Coding change: c.223C>A on transcript NM_024649.5 (MANE Select); coding-DNA position 223, C replaced by A.
Protein change: p.Leu75Met; replaces leucine 75 with methionine.
Molecular consequence: missense variant.
Genome position (GRCh38, 1-based): chr11:66,514,469, C>A. VCF-style: chr11-66514469-C-A. GRCh37 (hg19) VCF-style: chr11-66281940-C-A.
Other names: short protein forms L75M.
Identifiers: ClinVar variation 1970050 (VCV001970050.2), dbSNP rs2495736264, ClinGen allele CA381455980.